The following is an entry in ClinVar:

NM_002890.3(RASA1):c.3060+9dup

Genes: CCNH (cyclin H; minus strand), RASA1 (RAS p21 protein activator 1; plus strand). Cytogenetic location: 5q14.3.
Variant type: Duplication.
Coding change: c.3060+9dup on transcript NM_002890.3 (MANE Select); 9 bases into the intron after coding-DNA position 3060, one base duplicated (T; older notation c.3060+9dupT).
Molecular consequence: intron variant.
Genome position (GRCh38, 1-based): chr5:87,389,536, T duplicated; the last of 3 consecutive T bases (chr5:87,389,534-87,389,536); duplicating any one gives the same sequence. VCF-style (leftmost placement, unchanged base first): chr5-87389533-C-CT. GRCh37 (hg19) VCF-style: chr5-86685350-C-CT.
Other names: c.3060+9dupT (NM_002890.2); c.2529+9dup (NM_022650.3); c.933+5510dup (NM_001364075.2).
Identifiers: ClinVar variation 509631 (VCV000509631.11), dbSNP rs574384512, ClinGen allele CA3336199.

ClinVar aggregate classification (germline): Likely benign. Review status: criteria provided, multiple submitters, no conflicts (2 of 4 stars). 2 submissions from 2 submitters: Likely benign (2). Last evaluated 2025-12-20.

Conditions:
Capillary malformation-arteriovenous malformation syndrome. Also called: Capillary malformation-arteriovenous malformation. Identifiers: Orphanet 137667, MedGen C1842180, MONDO:0012016.

Submissions (2):

Labcorp Genetics (formerly Invitae), Labcorp
Classification: Likely benign for Capillary malformation-arteriovenous malformation syndrome. Last evaluated: 2025-12-20. Review status: criteria provided, single submitter. Criteria: Invitae Variant Classification Sherloc (09022015). Collection method: clinical testing. Allele origin: germline.

GeneDx
Classification: Likely benign. Last evaluated: 2017-05-30. Review status: criteria provided, single submitter. Criteria: GeneDx Variant Classification (06012015). Collection method: clinical testing. Allele origin: germline. Affected: yes.
Comment: This variant is considered likely benign or benign based on one or more of the following criteria: it is a conservative change, it occurs at a poorly conserved position in the protein, it is predicted to be benign by multiple in silico algorithms, and/or has population frequency not consistent with disease.